The following is an entry in ClinVar:

NM_032119.4(ADGRV1):c.1868T>G (p.Ile623Ser)

Gene: ADGRV1 (adhesion G protein-coupled receptor V1; plus strand). Cytogenetic location: 5q14.3.
Variant type: single nucleotide variant.
Coding change: c.1868T>G on transcript NM_032119.4 (MANE Select); coding-DNA position 1868, T replaced by G.
Protein change: p.Ile623Ser; replaces isoleucine 623 with serine.
Molecular consequence: missense variant. On other transcripts: non-coding transcript variant (1).
Genome position (GRCh38, 1-based): chr5:90,635,142, T>G. VCF-style: chr5-90635142-T-G. GRCh37 (hg19) VCF-style: chr5-89930959-T-G.
Other names: short protein forms I623S.
Identifiers: ClinVar variation 2443428 (VCV002443428.1), dbSNP rs2531899492, ClinGen allele CA360380494.

ClinVar aggregate classification (germline): Uncertain significance (1 of 4 stars; one submission).

Submission:

GeneDx
Classification: Uncertain significance. Last evaluated: 2022-09-12. Review status: criteria provided, single submitter. Criteria: GeneDx Variant Classification Process June 2021. Collection method: clinical testing. Allele origin: germline. Affected: yes.
Comment: Not observed at significant frequency in large population cohorts (gnomAD); In silico analysis supports that this missense variant does not alter protein structure/function; Has not been previously published as pathogenic or benign to our knowledge